The following is an entry in ClinVar:

NM_000179.3(MSH6):c.2783C>A (p.Thr928Asn)

Gene: MSH6 (mutS homolog 6; plus strand). Cytogenetic location: 2p16.3.
Variant type: single nucleotide variant.
Coding change: c.2783C>A on transcript NM_000179.3 (MANE Select); coding-DNA position 2783, C replaced by A.
Protein change: p.Thr928Asn; replaces threonine 928 with asparagine.
Molecular consequence: missense variant.
Genome position (GRCh38, 1-based): chr2:47,800,766, C>A. VCF-style: chr2-47800766-C-A. GRCh37 (hg19) VCF-style: chr2-48027905-C-A.
Other names: c.2393C>A, p.Thr798Asn (NM_001281492.2); c.1877C>A, p.Thr626Asn (NM_001281493.2, NM_001281494.2); short protein forms T928N, T626N, T798N.
Identifiers: ClinVar variation 525795 (VCV000525795.20), dbSNP rs781482454, ClinGen allele CA069625.
Genomic context (GRCh38, chr2:47,800,766, plus strand): 5'-AATTGAACCGATGGGATACAGCCTTTGACCATGAAAAGGCTCGAAAGACTGGACTTATTA[C>A]TCCCAAAGCAGGCTTTGACTCTGATTATGACCAAGCTCTTGCTGACATAAGAGAAAATGA-3'
Protein context (NP_000170.1, residues 918-938): HEKARKTGLI[Thr928Asn]PKAGFDSDYD

ClinVar aggregate classification (germline): Conflicting classifications of pathogenicity. Review status: criteria provided, conflicting classifications (1 of 4 stars). 5 submissions from 5 submitters: Uncertain significance (4); Likely benign (1). Last evaluated 2026-01-12.

Conditions:
Hereditary nonpolyposis colorectal neoplasms. Identifiers: MedGen C0009405, MeSH D003123.
Lynch syndrome 5 (LYNCH5). Also called: Colorectal cancer, hereditary nonpolyposis, type 5; Hereditary non-polyposis colorectal cancer, type 5. Identifiers: Orphanet 144, MedGen C1833477, MONDO:0013710, OMIM 614350. Disease mechanism: loss of function.
Hereditary cancer-predisposing syndrome. Also called: Neoplastic Syndromes, Hereditary; Tumor predisposition; Hereditary Cancer Syndrome; Hereditary neoplastic syndrome. Identifiers: Orphanet 140162, MedGen C0027672, MeSH D009386, MONDO:0015356.

gnomAD v4.1: 15 of 1,614,178 alleles (0.00093%); highest among the groups gnomAD compares: Non-Finnish European, 0.0013%; no homozygotes.

Submissions (5):

Labcorp Genetics (formerly Invitae), Labcorp
Classification: Likely benign for Hereditary nonpolyposis colorectal neoplasms. Last evaluated: 2026-01-12. Review status: criteria provided, single submitter. Criteria: Invitae Variant Classification Sherloc (09022015). Collection method: clinical testing. Allele origin: germline.

Center for Genomic Medicine, Rigshospitalet, Copenhagen University Hospital
Classification: Uncertain significance. Last evaluated: 2025-03-04. Review status: criteria provided, single submitter. Criteria: ACMG Guidelines, 2015. Collection method: clinical testing. Allele origin: germline.

Molecular Pathology, Peter Maccallum Cancer Centre
Classification: Uncertain significance for Lynch syndrome 5. Last evaluated: 2024-10-23. Review status: criteria provided, single submitter. Criteria: ACMG Guidelines, 2015. Collection method: clinical testing. Allele origin: germline. Inheritance: Autosomal dominant inheritance.

Ambry Genetics
Classification: Uncertain significance for Hereditary cancer-predisposing syndrome. Last evaluated: 2023-10-04. Review status: criteria provided, single submitter. Criteria: Ambry Variant Classification Scheme 2023. Collection method: clinical testing. Allele origin: germline.
Comment: The p.T928N variant (also known as c.2783C>A), located in coding exon 4 of the MSH6 gene, results from a C to A substitution at nucleotide position 2783. The threonine at codon 928 is replaced by asparagine, an amino acid with similar properties. This amino acid position is highly conserved in available vertebrate species. In addition, the in silico prediction for this alteration is inconclusive. Since supporting evidence is limited at this time, the clinical significance of this alteration remains unclear.

GeneDx
Classification: Uncertain significance. Last evaluated: 2019-09-03. Review status: criteria provided, single submitter. Criteria: GeneDx Variant Classification Process June 2021. Collection method: clinical testing. Allele origin: germline. Affected: yes.
Comment: Not observed at a significant frequency in large population cohorts (Lek 2016); In silico analysis, which includes protein predictors and evolutionary conservation, supports a deleterious effect; Has not been previously published as pathogenic or benign to our knowledge